The following is an entry in ClinVar:

ClinVar aggregate classification (germline): Likely benign. Review status: criteria provided, multiple submitters, no conflicts (2 of 4 stars). 2 submissions from 2 submitters: Likely benign (2). Last evaluated 2026-01-08.

Conditions:
Pheochromocytoma/paraganglioma syndrome 1. Also called: Paragangliomas 1; Glomus tumors familial 1; Paraganglioma - glomus jugulare; PARAGANGLIOMATA; SDHD-Related Hereditary Paraganglioma-Pheochromocytoma Syndrome; PARAGANGLIOMAS, FAMILIAL NONCHROMAFFIN, 1. Identifiers: Orphanet 29072, MedGen C3494181, MONDO:0008192, OMIM 168000.
Carney-Stratakis syndrome. Also called: PARAGANGLIOMA AND GASTROINTESTINAL STROMAL TUMOR. Identifiers: Orphanet 97286, MedGen C1847319, MONDO:0011740, OMIM 606864.
Paragangliomas with sensorineural hearing loss. Identifiers: MedGen C1868633.
Cowden syndrome 3 (CWS3). Identifiers: Orphanet 201, MedGen CN166604, MONDO:0014045.
Pheochromocytoma. Also called: MAX-Related Hereditary Paraganglioma-Pheochromocytoma Syndrome. Identifiers: Orphanet 29072, MedGen C0031511, MONDO:0008233, OMIM 171300, HP:0002666.

Allele frequency attached by ClinVar (database versions not stated): gnomAD exomes below 0.00001; TOPMed 0.00001; gnomAD 0.00003.
gnomAD v4.1: 5 of 1,611,882 alleles (0.00031%); highest among the groups gnomAD compares: African/African-American, 0.004%; no homozygotes.

Submissions (2):

Labcorp Genetics (formerly Invitae), Labcorp
Classification: Likely benign for Carney-Stratakis syndrome; Paragangliomas with sensorineural hearing loss; Pheochromocytoma; Cowden syndrome 3. Last evaluated: 2026-01-08. Review status: criteria provided, single submitter. Criteria: Invitae Variant Classification Sherloc (09022015). Collection method: clinical testing. Allele origin: germline.

Myriad Genetics, Inc.
Classification: Likely benign for Pheochromocytoma/paraganglioma syndrome 1. Last evaluated: 2025-03-17. Review status: criteria provided, single submitter. Criteria: Myriad Autosomal Dominant, Autosomal Recessive and X-Linked Classification Criteria (2023). Collection method: clinical testing. Allele origin: unknown.
Comment: This variant is considered likely benign. This variant is intronic and is not expected to impact mRNA splicing.

NM_003002.4(SDHD):c.170-19A>G

Gene: SDHD (succinate dehydrogenase complex subunit D; plus strand). Cytogenetic location: 11q23.1.
Variant type: single nucleotide variant.
Coding change: c.170-19A>G on transcript NM_003002.4 (MANE Select); 19 bases into the intron before coding-DNA position 170, A replaced by G.
Molecular consequence: intron variant.
Genome position (GRCh38, 1-based): chr11:112,088,848, A>G. VCF-style: chr11-112088848-A-G. GRCh37 (hg19) VCF-style: chr11-111959572-A-G.
Other names: c.170-19A>G (NM_001276506.2); c.169+875A>G (NM_001276503.2); c.53-19A>G (NM_001276504.2).
Identifiers: ClinVar variation 1643989 (VCV001643989.9), dbSNP rs1296685617, ClinGen allele CA601745084.